The following is an entry in ClinVar:

ClinVar aggregate classification (germline): Uncertain significance (1 of 4 stars; one submission).

Conditions:
CELF4-related disorder. Also called: CELF4-related condition.

Submission:

3billion
Classification: Uncertain significance for CELF4-related disorder. Last evaluated: 2026-01-01. Review status: criteria provided, single submitter. Criteria: ACMG Guidelines, 2015. Collection method: clinical testing. Allele origin: germline. Affected: yes.
Comment: The variant is not observed in the gnomAD v4.1.0 dataset. Predicted Consequence/Location: Canonical splice site: predicted to alter splicing and result in a loss or disruption of normal protein function. Multiple pathogenic loss-of-function variants are reported downstream of the variant. In silico tools predict the variant to alter splicing and produce an abnormal transcript [SpliceAI: 1.00 (spliceogenicity >=0.2, non-spliceogenicity <0.1)]. Therefore, this variant is classified as VUS according to the recommendation of ACMG/AMP guideline.

NM_020180.4(CELF4):c.801+1G>C

Gene: CELF4 (CUGBP Elav-like family member 4; minus strand). Cytogenetic location: 18q12.2.
Variant type: single nucleotide variant.
Coding change: c.801+1G>C on transcript NM_020180.4 (MANE Select); the canonical splice donor site of the intron after coding-DNA position 801, G replaced by C.
Molecular consequence: splice donor variant.
Genome position (GRCh38, 1-based): chr18:37,274,310, C>G on the plus strand (G>C on the coding strand, the complement: CELF4 is on the minus strand). VCF-style: chr18-37274310-C-G. GRCh37 (hg19) VCF-style: chr18-34854273-C-G.
Other names: c.768+1G>C (NM_001353733.2, NM_001353722.2, NM_001353711.2 and 16 more transcripts); c.771+1G>C (NM_001353750.2, NM_001353699.2, NM_001353721.2 and 12 more transcripts); c.798+1G>C (NM_001353712.2, NM_001353716.2, NM_001353702.2 and 12 more transcripts); c.801+1G>C (NM_001353747.2, NM_001353745.2, NM_001353723.2 and 11 more transcripts); c.399+1G>C (NM_001353758.2, NM_001353759.2); c.402+1G>C (NM_001353760.2, NM_001353757.2); c.429+1G>C (NM_001353761.2, NM_001353756.2).
Identifiers: ClinVar variation 4854451 (VCV004854451.1).
Genomic context (GRCh38, chr18:37,274,310, plus strand): 5'-CTCTCTGAGGCTCCCAGGGGAGTGAGCTTGAGAACCGCTGCCCGTGCGCGCTGCCACTTA[C>G]TGCCTGAGCGTAGGCGCCGTAGGCCCCGAAAGGGATGGCCATGGGGTTGAACATGCCCAT-3'